The following is an entry in ClinVar:

ClinVar aggregate classification (germline): Likely benign. Review status: criteria provided, multiple submitters, no conflicts (2 of 4 stars). 3 submissions from 3 submitters: Likely benign (3). Last evaluated 2025-08-10.

Conditions:
Hereditary cancer-predisposing syndrome. Also called: Tumor predisposition; Neoplastic Syndromes, Hereditary; Hereditary Cancer Syndrome; Hereditary neoplastic syndrome. Identifiers: Orphanet 140162, MedGen C0027672, MeSH D009386, MONDO:0015356.
Familial cancer of breast. Also called: BREAST CANCER, FAMILIAL; hereditary breast carcinoma; Hereditary breast cancer. Identifiers: Orphanet 227535, MedGen C0346153, MONDO:0016419, OMIM 114480. Disease mechanism: loss of function.
Ataxia-telangiectasia syndrome (AT). Also called: Ataxia-telangiectasia; Ataxia-telangiectasia, complementation group D; AT, COMPLEMENTATION GROUP C; LOUIS-BAR SYNDROME; Cerebello-oculocutaneous telangiectasia; Immunodeficiency with ataxia telangiectasia. Identifiers: Orphanet 100, MedGen C0004135, MONDO:0008840, OMIM 208900.

Submissions (3):

Labcorp Genetics (formerly Invitae), Labcorp
Classification: Likely benign for Ataxia-telangiectasia syndrome. Last evaluated: 2025-08-10. Review status: criteria provided, single submitter. Criteria: Invitae Variant Classification Sherloc (09022015). Collection method: clinical testing. Allele origin: germline.

Myriad Genetics, Inc.
Classification: Likely benign for Familial cancer of breast. Last evaluated: 2024-05-17. Review status: criteria provided, single submitter. Criteria: Myriad Autosomal Dominant, Autosomal Recessive and X-Linked Classification Criteria (2023). Collection method: clinical testing. Allele origin: unknown.
Comment: This variant is considered likely benign. This variant is intronic and is not expected to impact mRNA splicing.

Color Diagnostics, LLC DBA Color Health
Classification: Likely benign for Hereditary cancer-predisposing syndrome. Last evaluated: 2017-06-29. Review status: criteria provided, single submitter. Criteria: ACMG Guidelines, 2015. Collection method: clinical testing. Allele origin: germline.

NM_000051.4(ATM):c.4237-13_4237-12del

Gene: ATM (ATM serine/threonine kinase; plus strand). Cytogenetic location: 11q22.3.
Variant type: Deletion.
Coding change: c.4237-13_4237-12del on transcript NM_000051.4 (MANE Select); 13 bases into the intron before coding-DNA position 4237 through 12 bases into the intron before coding-DNA position 4237, 2 bases deleted (GT; older notation c.4237-13_4237-12delGT).
Molecular consequence: intron variant.
Genome position (GRCh38, 1-based): chr11:108,289,589-108,289,590, GT deleted; deleting any 2 consecutive bases within chr11:108,289,588-108,289,590 gives the same sequence; the c. name uses the placement nearest the transcript's 3' end. VCF-style (leftmost placement, unchanged base first): chr11-108289587-CTG-C. GRCh37 (hg19) VCF-style: chr11-108160314-CTG-C.
Other names: c.4237-14_4237-13delTG (NM_000051.3); c.4237-13_4237-12del (NM_001351834.2).
Identifiers: ClinVar variation 490563 (VCV000490563.9), dbSNP rs1555097353, ClinGen allele CA658683115.